The following is an entry in ClinVar:

ClinVar aggregate classification (germline): Uncertain significance (1 of 4 stars; one submission).

Conditions:
Hereditary cancer-predisposing syndrome. Also called: Neoplastic Syndromes, Hereditary; Hereditary Cancer Syndrome; Tumor predisposition; Hereditary neoplastic syndrome. Identifiers: Orphanet 140162, MedGen C0027672, MeSH D009386, MONDO:0015356.

Allele frequency attached by ClinVar (database versions not stated): gnomAD 0.00001.

Submission:

Ambry Genetics
Classification: Uncertain significance for Hereditary cancer-predisposing syndrome. Last evaluated: 2022-11-13. Review status: criteria provided, single submitter. Criteria: Ambry Variant Classification Scheme 2023. Collection method: clinical testing. Allele origin: germline.
Comment: The p.Y929N variant (also known as c.2785T>A), located in coding exon 8 of the PALB2 gene, results from a T to A substitution at nucleotide position 2785. The tyrosine at codon 929 is replaced by asparagine, an amino acid with dissimilar properties. This amino acid position is conserved. In addition, this alteration is predicted to be tolerated by in silico analysis. Since supporting evidence is limited at this time, the clinical significance of this alteration remains unclear.

NM_024675.4(PALB2):c.2785T>A (p.Tyr929Asn)

Gene: PALB2 (partner and localizer of BRCA2; minus strand). Cytogenetic location: 16p12.2.
Variant type: single nucleotide variant.
Coding change: c.2785T>A on transcript NM_024675.4 (MANE Select); coding-DNA position 2785, T replaced by A.
Protein change: p.Tyr929Asn; replaces tyrosine 929 with asparagine.
Molecular consequence: missense variant.
Genome position (GRCh38, 1-based): chr16:23,624,058, A>T on the plus strand (T>A on the coding strand, the complement: PALB2 is on the minus strand). VCF-style: chr16-23624058-A-T. GRCh37 (hg19) VCF-style: chr16-23635379-A-T.
Other names: c.2725T>A, p.Tyr909Asn (NM_001407296.1); c.2713T>A, p.Tyr905Asn (NM_001407297.1); c.2623T>A, p.Tyr875Asn (NM_001407298.1, NM_001407302.1); c.2785T>A, p.Tyr929Asn (NM_001407299.1, NM_001407300.1, NM_001407301.1); c.1900T>A, p.Tyr634Asn (NM_001407304.1, NM_001407305.1, NM_001407306.1 and 4 more transcripts); c.1738T>A, p.Tyr580Asn (NM_001407307.1); c.997T>A, p.Tyr333Asn (NM_001407312.1, NM_001407313.1); c.319T>A, p.Tyr107Asn (NM_001407314.1); short protein forms Y107N, Y333N, Y905N, Y580N, Y909N, Y929N, Y634N, Y875N.
Identifiers: ClinVar variation 2447308 (VCV002447308.2), dbSNP rs1966826141, ClinGen allele CA395145079.